The following is an entry in ClinVar:

ClinVar aggregate classification (germline): Benign (1 of 4 stars; one submission).

Conditions:
Seizures, benign familial neonatal, 2. Also called: CONVULSIONS, BENIGN FAMILIAL NEONATAL, 2; KCNQ3-Related Self-Limited Familial Neonatal Epilepsy (SLFNE); Benign Neonatal Epilepsy 2; KCNQ3-Related Benign Familial Neonatal Epilepsy; Seizures, benign neonatal, 2. Identifiers: Orphanet 1949, MedGen C1852581, MONDO:0007366, OMIM 121201.

Allele frequency attached by ClinVar (database versions not stated): 1000 Genomes Project 0.00319; 1000 Genomes Project 30x 0.00328; gnomAD 0.00353 and 0.00381; TOPMed 0.00390.

Submission:

Illumina Laboratory Services, Illumina
Classification: Benign for Seizures, benign familial neonatal, 2. Last evaluated: 2018-01-12. Review status: criteria provided, single submitter. Criteria: ICSL Variant Classification Criteria 13 December 2019. Collection method: clinical testing. Allele origin: germline.
Comment: This variant was observed in the ICSL laboratory as part of a predisposition screen in an ostensibly healthy population. It had not been previously curated by ICSL or reported in the Human Gene Mutation Database (HGMD: prior to June 1st, 2018), and was therefore a candidate for classification through an automated scoring system. Utilizing variant allele frequency, disease prevalence and penetrance estimates, and inheritance mode, an automated score was calculated to assess if this variant is too frequent to cause the disease. Based on the score and internal cut-off values, a variant classified as benign is not then subjected to further curation. The score for this variant resulted in a classification of benign for this disease.

NM_004519.4(KCNQ3):c.*5578A>G

Gene: KCNQ3 (potassium voltage-gated channel subfamily Q member 3; minus strand). Cytogenetic location: 8q24.22.
Variant type: single nucleotide variant.
Coding change: c.*5578A>G on transcript NM_004519.4 (MANE Select); 5578 bases downstream of the stop codon, A replaced by G.
Molecular consequence: 3 prime UTR variant.
Genome position (GRCh38, 1-based): chr8:132,123,684, T>C on the plus strand (A>G on the coding strand, the complement: KCNQ3 is on the minus strand). VCF-style: chr8-132123684-T-C. GRCh37 (hg19) VCF-style: chr8-133135931-T-C.
Other names: c.*5578A>G (NM_001204824.2).
Identifiers: ClinVar variation 361790 (VCV000361790.6), dbSNP rs148780224, ClinGen allele CA10624735.